The following is an entry in ClinVar:

NM_024649.5(BBS1):c.434dup (p.Asp145fs)

Gene: BBS1 (Bardet-Biedl syndrome 1; plus strand). Cytogenetic location: 11q13.2.
Variant type: Duplication.
Coding change: c.434dup on transcript NM_024649.5 (MANE Select); coding-DNA position 434, one base duplicated (A; older notation c.434dupA).
Protein change: p.Asp145fs; shifts the reading frame from aspartic acid 145.
Molecular consequence: frameshift variant.
Genome position (GRCh38, 1-based): chr11:66,515,541, A duplicated. VCF-style (leftmost placement, unchanged base first): chr11-66515540-G-GA. GRCh37 (hg19) VCF-style: chr11-66283011-G-GA.
Other names: short protein forms D145fs.
Identifiers: ClinVar variation 1726144 (VCV001726144.2), dbSNP rs2495739801, ClinGen allele CA2580084550.

ClinVar aggregate classification (germline): Likely pathogenic (1 of 4 stars; one submission).

Conditions:
Bardet-Biedl syndrome 1 (BBS1). Identifiers: MedGen C2936862, MONDO:0008854, OMIM 209900. Disease mechanism: loss of function.

Submission:

Myriad Genetics, Inc.
Classification: Likely pathogenic for Bardet-Biedl syndrome 1. Last evaluated: 2022-05-18. Review status: criteria provided, single submitter. Criteria: Myriad Women's Health Autosomal Recessive and X-Linked Classification Criteria (2021). Collection method: clinical testing. Allele origin: unknown.
Comment: NM_024649.4(BBS1):c.434dupA(D145Efs*37) is expected to be pathogenic in the context of Bardet-Biedl syndrome, BBS1-related. This variant is predicted to lead to an abnormal or absent protein product due to the creation of a premature termination codon in BBS1, a gene where loss-of-function variants are known to be pathogenic. Please note: this variant was assessed in the context of healthy population screening.